The following is an entry in ClinVar:

NM_001957.4(EDNRA):c.143T>C (p.Leu48Pro)

Gene: EDNRA (endothelin receptor type A; plus strand). Cytogenetic location: 4q31.22.
Variant type: single nucleotide variant.
Coding change: c.143T>C on transcript NM_001957.4 (MANE Select); coding-DNA position 143, T replaced by C.
Protein change: p.Leu48Pro; replaces leucine 48 with proline.
Molecular consequence: missense variant. On other transcripts: non-coding transcript variant (1).
Genome position (GRCh38, 1-based): chr4:147,485,824, T>C. VCF-style: chr4-147485824-T-C. GRCh37 (hg19) VCF-style: chr4-148406976-T-C.
Other names: c.143T>C, p.Leu48Pro (NM_001166055.2, NM_001354797.2); short protein forms L48P.
Identifiers: ClinVar variation 2655114 (VCV002655114.24), dbSNP rs2530291787, ClinGen allele CA358420582.

ClinVar aggregate classification (germline): Uncertain significance (1 of 4 stars; one submission).

Allele frequency attached by ClinVar (database versions not stated): gnomAD exomes below 0.00001.

Submission:

CeGaT Center for Human Genetics Tuebingen
Classification: Uncertain significance. Last evaluated: 2022-05-01. Review status: criteria provided, single submitter. Criteria: CeGaT Center For Human Genetics Tuebingen Variant Classification Criteria Version 2. Collection method: clinical testing. Allele origin: germline. Affected: yes. Observed: 1 variant allele.
Comment: EDNRA: PM2, BP4